The following is an entry in ClinVar:

ClinVar aggregate classification (germline): Uncertain significance. Review status: criteria provided, multiple submitters, no conflicts (2 of 4 stars). 2 submissions from 2 submitters: Uncertain significance (2). Last evaluated 2024-11-16.

Conditions:
Developmental and epileptic encephalopathy, 1 (DEE1). Also called: X-linked infantile spasms; West's syndrome; Tonic spasms with clustering, arrest of psychomotor development and hypsarrhythmia on EEG; X-Linked Infantile Spasm Syndrome; OHTAHARA SYNDROME, X-LINKED; Epileptic encephalopathy, early infantile, 1. Identifiers: MedGen C3463992, MONDO:0010632, OMIM 308350. Disease mechanism: loss of function.
Intellectual disability, X-linked, with or without seizures, ARX-related. Also called: Mental retardation, X-linked 52; INTELLECTUAL DEVELOPMENTAL DISORDER, X-LINKED 29; MENTAL RETARDATION, X-LINKED 29; MENTAL RETARDATION, X-LINKED 32; MENTAL RETARDATION, X-LINKED 33; MENTAL RETARDATION, X-LINKED 38. Identifiers: Orphanet 777, MedGen C0796244, MONDO:0010317, OMIM 300419.

Submissions (2):

Labcorp Genetics (formerly Invitae), Labcorp
Classification: Uncertain significance for Developmental and epileptic encephalopathy, 1; Intellectual disability, X-linked, with or without seizures, ARX-related. Last evaluated: 2024-11-16. Review status: criteria provided, single submitter. Criteria: Invitae Variant Classification Sherloc (09022015). Collection method: clinical testing. Allele origin: germline.
Comment: This sequence change replaces glycine, which is neutral and non-polar, with aspartic acid, which is acidic and polar, at codon 286 of the ARX protein (p.Gly286Asp). The frequency data for this variant in the population databases is considered unreliable, as metrics indicate poor data quality at this position in the gnomAD database. This variant has not been reported in the literature in individuals affected with ARX-related conditions. Invitae Evidence Modeling of protein sequence and biophysical properties (such as structural, functional, and spatial information, amino acid conservation, physicochemical variation, residue mobility, and thermodynamic stability) indicates that this missense variant is not expected to disrupt ARX protein function with a negative predictive value of 80%. In summary, the available evidence is currently insufficient to determine the role of this variant in disease. Therefore, it has been classified as a Variant of Uncertain Significance.

Blueprint Genetics
Classification: Uncertain significance. Last evaluated: 2024-01-30. Review status: criteria provided, single submitter. Criteria: ACMG Guidelines, 2015. Collection method: clinical testing. Allele origin: germline.

NM_139058.3(ARX):c.857G>A (p.Gly286Asp)

Gene: ARX (aristaless related homeobox; minus strand). Cytogenetic location: Xp21.3.
Variant type: single nucleotide variant.
Coding change: c.857G>A on transcript NM_139058.3 (MANE Select); coding-DNA position 857, G replaced by A.
Protein change: p.Gly286Asp; replaces glycine 286 with aspartic acid.
Molecular consequence: missense variant.
Genome position (GRCh38, 1-based): chrX:25,013,138, C>T on the plus strand (G>A on the coding strand, the complement: ARX is on the minus strand). VCF-style: chrX-25013138-C-T. GRCh37 (hg19) VCF-style: chrX-25031255-C-T.
Other names: short protein forms G286D.
Identifiers: ClinVar variation 3749651 (VCV003749651.3).